The following is an entry in ClinVar:

ClinVar aggregate classification (germline): Uncertain significance (1 of 4 stars; one submission).

Conditions:
Ataxia-telangiectasia-like disorder (ATLD). Identifiers: MedGen C1858391, MONDO:0011457.

Submission:

Labcorp Genetics (formerly Invitae), Labcorp
Classification: Uncertain significance for Ataxia-telangiectasia-like disorder. Last evaluated: 2021-07-31. Review status: criteria provided, single submitter. Criteria: Invitae Variant Classification Sherloc (09022015). Collection method: clinical testing. Allele origin: germline.
Comment: This sequence change replaces methionine with isoleucine at codon 523 of the MRE11 protein (p.Met523Ile). The methionine residue is highly conserved and there is a small physicochemical difference between methionine and isoleucine. In summary, the available evidence is currently insufficient to determine the role of this variant in disease. Therefore, it has been classified as a Variant of Uncertain Significance. Algorithms developed to predict the effect of missense changes on protein structure and function output the following: SIFT: "Tolerated"; PolyPhen-2: "Benign"; Align-GVGD: "Class C0". The isoleucine amino acid residue is found in multiple mammalian species, which suggests that this missense change does not adversely affect protein function. This variant has not been reported in the literature in individuals affected with MRE11-related conditions. This variant is not present in population databases (ExAC no frequency).

NM_005591.4(MRE11):c.1569G>A (p.Met523Ile)

Gene: MRE11 (MRE11 double strand break repair nuclease; minus strand). Cytogenetic location: 11q21.
Variant type: single nucleotide variant.
Coding change: c.1569G>A on transcript NM_005591.4 (MANE Select); coding-DNA position 1569, G replaced by A.
Protein change: p.Met523Ile; replaces methionine 523 with isoleucine.
Molecular consequence: missense variant.
Genome position (GRCh38, 1-based): chr11:94,447,433, C>T on the plus strand (G>A on the coding strand, the complement: MRE11 is on the minus strand). VCF-style: chr11-94447433-C-T. GRCh37 (hg19) VCF-style: chr11-94180599-C-T.
Other names: c.1569G>A, p.Met523Ile (NM_001330347.2, NM_005590.4); short protein forms M523I.
Identifiers: ClinVar variation 1681570 (VCV001681570.6), dbSNP rs2134909832, ClinGen allele CA382368810.